The following is an entry in ClinVar:

ClinVar aggregate classification (germline): Uncertain significance (1 of 4 stars; one submission).

Allele frequency attached by ClinVar (database versions not stated): ExAC 0.00001; TOPMed 0.00002; gnomAD 0.00003; gnomAD exomes 0.00007.
gnomAD v4.1: 104 of 1,614,034 alleles (0.0064%); highest among the groups gnomAD compares: Non-Finnish European, 0.0086%; no homozygotes.

Submission:

Ambry Genetics
Classification: Uncertain significance. Last evaluated: 2022-09-26. Review status: criteria provided, single submitter. Criteria: Ambry Variant Classification Scheme 2023. Collection method: clinical testing. Allele origin: germline.
Comment: The p.M361T variant (also known as c.1082T>C), located in coding exon 6 of the PKP4 gene, results from a T to C substitution at nucleotide position 1082. The methionine at codon 361 is replaced by threonine, an amino acid with similar properties. This amino acid position is conserved. In addition, this alteration is predicted to be tolerated by in silico analysis. Since supporting evidence is limited at this time, the clinical significance of this alteration remains unclear.

NM_003628.6(PKP4):c.1082T>C (p.Met361Thr)

Gene: PKP4 (plakophilin 4; plus strand). Cytogenetic location: 2q24.1.
Variant type: single nucleotide variant.
Coding change: c.1082T>C on transcript NM_003628.6 (MANE Select); coding-DNA position 1082, T replaced by C.
Protein change: p.Met361Thr; replaces methionine 361 with threonine.
Molecular consequence: missense variant.
Genome position (GRCh38, 1-based): chr2:158,625,356, T>C. VCF-style: chr2-158625356-T-C. GRCh37 (hg19) VCF-style: chr2-159481868-T-C.
Other names: c.1082T>C, p.Met361Thr (NM_001005476.4, NM_001304969.3, NM_001304971.2 and 6 more transcripts); c.56T>C, p.Met19Thr (NM_001304970.3); c.1076T>C, p.Met359Thr (NM_001377222.1, NM_001377223.1, NM_001377224.1); short protein forms M359T, M19T, M361T.
Identifiers: ClinVar variation 1786831 (VCV001786831.2), dbSNP rs552153382, ClinGen allele CA1920595.